The following is an entry in ClinVar:

ClinVar aggregate classification (germline): Uncertain significance (1 of 4 stars; one submission).

Submission:

Dasa
Classification: Uncertain significance. Last evaluated: 2025-08-08. Review status: criteria provided, single submitter. Criteria: DASA Assertion Criteria. Collection method: clinical testing. Allele origin: germline.
Comment: NM_001904.4(CTNNB1):c.2262_2300del (p.Asp755_Pro767del) is an in-frame deletion predicted to remove amino acids from aspartic acid at protein position 755 through proline at protein position 767 without shifting the reading frame. This variant is absent from population databases. The currently available literature and clinical evidence are not sufficient to establish a definitive association between this variant and the reported condition. Therefore, this variant is classified as a variant of uncertain significance.

NM_001904.4(CTNNB1):c.2262_2300del (p.Asp755_Pro767del)

Gene: CTNNB1 (catenin beta 1; plus strand). Cytogenetic location: 3p22.1.
Variant type: Deletion.
Coding change: c.2262_2300del on transcript NM_001904.4 (MANE Select); coding-DNA positions 2262 to 2300, 39 bases deleted.
Protein change: p.Asp755_Pro767del.
Molecular consequence: inframe deletion. On other transcripts: intron variant (2).
Genome position (GRCh38, 1-based): chr3:41,239,258-41,239,296, 39 bases deleted; deleting any 39 consecutive bases within chr3:41,239,247-41,239,296 gives the same sequence; the c. name uses the placement nearest the transcript's 3' end. GRCh37 (hg19): chr3:41,280,749-41,280,787.
Other names: c.2262_2300del, p.Asp755_Pro767del (NM_001098209.2, NM_001098210.2, NM_001438871.1 and 2 more transcripts); c.2241_2279del, p.Asp748_Pro760del (NM_001330729.2); c.2077-402_2077-364del (NM_001438874.1, NM_001438875.1).
Identifiers: ClinVar variation 4884148 (VCV004884148.2).